The following is an entry in ClinVar:

ClinVar aggregate classification (germline): Uncertain significance (1 of 4 stars; one submission).

Conditions:
Saldino-Mainzer syndrome (SRTD9). Also called: CONORENAL SYNDROME; Renal dysplasia, retinal pigmentary dystrophy, cerebellar ataxia and skeletal dysplasia; SHORT-RIB THORACIC DYSPLASIA 9 WITHOUT POLYDACTYLY; short-rib thoracic dysplasia 9 with or without polydactyly. Identifiers: Orphanet 140969, MedGen C1849437, MONDO:0009964, OMIM 266920.

gnomAD v4.1: 1 of 1,613,186 alleles (0.000062%); highest among the groups gnomAD compares: South Asian, 0.0011%; no homozygotes.

Submission:

Labcorp Genetics (formerly Invitae), Labcorp
Classification: Uncertain significance for Saldino-Mainzer syndrome. Last evaluated: 2025-08-20. Review status: criteria provided, single submitter. Criteria: Invitae Variant Classification Sherloc (09022015). Collection method: clinical testing. Allele origin: germline.
Comment: This sequence change replaces alanine, which is neutral and non-polar, with aspartic acid, which is acidic and polar, at codon 408 of the IFT140 protein (p.Ala408Asp). This variant is present in population databases (rs750774958, gnomAD 0.003%). This variant has not been reported in the literature in individuals affected with IFT140-related conditions. Invitae Evidence Modeling of protein sequence and biophysical properties (such as structural, functional, and spatial information, amino acid conservation, physicochemical variation, residue mobility, and thermodynamic stability) indicates that this missense variant is not expected to disrupt IFT140 protein function with a negative predictive value of 95%. In summary, the available evidence is currently insufficient to determine the role of this variant in disease. Therefore, it has been classified as a Variant of Uncertain Significance.

NM_014714.4(IFT140):c.1223C>A (p.Ala408Asp)

Genes: IFT140 (intraflagellar transport 140; minus strand), LOC105371046 (uncharacterized LOC105371046; plus strand). Cytogenetic location: 16p13.3.
Variant type: single nucleotide variant.
Coding change: c.1223C>A on transcript NM_014714.4 (MANE Select); coding-DNA position 1223, C replaced by A.
Protein change: p.Ala408Asp; replaces alanine 408 with aspartic acid.
Molecular consequence: missense variant.
Genome position (GRCh38, 1-based): chr16:1,584,353, G>T on the plus strand (C>A on the coding strand, the complement: IFT140 is on the minus strand). VCF-style: chr16-1584353-G-T. GRCh37 (hg19) VCF-style: chr16-1634354-G-T.
Other names: short protein forms A408D.
Identifiers: ClinVar variation 4745834 (VCV004745834.1).